The following is an entry in ClinVar:

ClinVar aggregate classification (germline): Uncertain significance (1 of 4 stars; one submission).

Allele frequency attached by ClinVar (database versions not stated): gnomAD exomes below 0.00001 and 0.00001; ExAC 0.00001; gnomAD 0.00002; TOPMed 0.00002; ESP Exome Variant Server 0.00008.
gnomAD v4.1: 4 of 1,609,606 alleles (0.00025%); highest among the groups gnomAD compares: African/African-American, 0.0054%; no homozygotes.

Submission:

Labcorp Genetics (formerly Invitae), Labcorp
Classification: Uncertain significance. Last evaluated: 2020-09-12. Review status: criteria provided, single submitter. Criteria: Invitae Variant Classification Sherloc (09022015). Collection method: clinical testing. Allele origin: germline.
Comment: In summary, the available evidence is currently insufficient to determine the role of this variant in disease. Therefore, it has been classified as a Variant of Uncertain Significance. This sequence change replaces leucine with valine at codon 268 of the CEP78 protein (p.Leu268Val). The leucine residue is moderately conserved and there is a small physicochemical difference between leucine and valine. This variant is present in population databases (rs369779785, ExAC 0.01%). This variant has not been reported in the literature in individuals with CEP78-related conditions. Algorithms developed to predict the effect of missense changes on protein structure and function are either unavailable or do not agree on the potential impact of this missense change (SIFT: "Deleterious"; PolyPhen-2: "Probably Damaging"; Align-GVGD: "Class C0").

NM_001330691.3(CEP78):c.802C>G (p.Leu268Val)

Gene: CEP78 (centrosomal protein 78; plus strand). Cytogenetic location: 9q21.2.
Variant type: single nucleotide variant.
Coding change: c.802C>G on transcript NM_001330691.3 (MANE Select); coding-DNA position 802, C replaced by G.
Protein change: p.Leu268Val; replaces leucine 268 with valine.
Molecular consequence: missense variant.
Genome position (GRCh38, 1-based): chr9:78,246,692, C>G. VCF-style: chr9-78246692-C-G. GRCh37 (hg19) VCF-style: chr9-80861608-C-G.
Other names: c.802C>G, p.Leu268Val (NM_001098802.3, NM_001330693.3, NM_001330694.2 and 4 more transcripts); short protein forms L268V.
Identifiers: ClinVar variation 1061233 (VCV001061233.9), dbSNP rs369779785, ClinGen allele CA5095032.